The following is an entry in ClinVar:

ClinVar aggregate classification (germline): Uncertain significance. Review status: criteria provided, multiple submitters, no conflicts (2 of 4 stars). 2 submissions from 2 submitters: Uncertain significance (2). Last evaluated 2024-03-07.

Conditions:
Hereditary pheochromocytoma and paraganglioma. Also called: Hereditary pheochromocytoma-paraganglioma; Hereditary paragangliomas and pheochromocytomas; Hereditary Paraganglioma-Pheochromocytoma Syndromes. Identifiers: Orphanet 29072, MedGen C4274332, MONDO:0017366.
Hereditary cancer-predisposing syndrome. Also called: Hereditary Cancer Syndrome; Tumor predisposition; Neoplastic Syndromes, Hereditary; Hereditary neoplastic syndrome. Identifiers: Orphanet 140162, MedGen C0027672, MeSH D009386, MONDO:0015356.

Allele frequency attached by ClinVar (database versions not stated): gnomAD exomes below 0.00001; TOPMed below 0.00001; ExAC 0.00001; gnomAD 0.00001; ESP Exome Variant Server 0.00008.
gnomAD v4.1: 1 of 1,613,666 alleles (0.000062%); highest among the groups gnomAD compares: Non-Finnish European, 0.000085%; no homozygotes.

Submissions (2):

Ambry Genetics
Classification: Uncertain significance for Hereditary cancer-predisposing syndrome. Last evaluated: 2024-03-07. Review status: criteria provided, single submitter. Criteria: Ambry Variant Classification Scheme 2023. Collection method: clinical testing. Allele origin: germline.
Comment: The p.D12E variant (also known as c.36C>G), located in coding exon 1 of the MAX gene, results from a C to G substitution at nucleotide position 36. This change occurs in the last base pair of coding exon 1. The amino acid change results in aspartic acid to glutamic acid at codon 12, an amino acid with highly similar properties. This amino acid position is highly conserved in available vertebrate species. In addition, the in silico prediction for this alteration is inconclusive. Since supporting evidence is limited at this time, the clinical significance of this alteration remains unclear.

Labcorp Genetics (formerly Invitae), Labcorp
Classification: Uncertain significance for Hereditary pheochromocytoma and paraganglioma. Last evaluated: 2022-05-18. Review status: criteria provided, single submitter. Criteria: Invitae Variant Classification Sherloc (09022015). Collection method: clinical testing. Allele origin: germline.
Comment: This variant has not been reported in the literature in individuals affected with MAX-related conditions. In summary, the available evidence is currently insufficient to determine the role of this variant in disease. Therefore, it has been classified as a Variant of Uncertain Significance. Algorithms developed to predict the effect of missense changes on protein structure and function are either unavailable or do not agree on the potential impact of this missense change (SIFT: "Deleterious"; PolyPhen-2: "Possibly Damaging"; Align-GVGD: "Class C0"). ClinVar contains an entry for this variant (Variation ID: 824092). This variant is present in population databases (rs370402660, gnomAD 0.0009%). This sequence change replaces aspartic acid, which is acidic and polar, with glutamic acid, which is acidic and polar, at codon 12 of the MAX protein (p.Asp12Glu).

NM_002382.5(MAX):c.36C>G (p.Asp12Glu)

Genes: MAX (MYC associated transcriptional regulator X; minus strand), LOC130055850 (ATAC-STARR-seq lymphoblastoid silent region 5847; plus strand). Cytogenetic location: 14q23.3.
Variant type: single nucleotide variant.
Coding change: c.36C>G on transcript NM_002382.5 (MANE Select); coding-DNA position 36, C replaced by G.
Protein change: p.Asp12Glu; replaces aspartic acid 12 with glutamic acid.
Molecular consequence: missense variant. On other transcripts: 5 prime UTR variant (1).
Genome position (GRCh38, 1-based): chr14:65,102,304, G>C on the plus strand (C>G on the coding strand, the complement: MAX is on the minus strand). VCF-style: chr14-65102304-G-C. GRCh37 (hg19) VCF-style: chr14-65569022-G-C.
Other names: c.36C>G, p.Asp12Glu (NM_001271068.2, NM_001271069.2, NM_145112.3 and 3 more transcripts); c.-239C>G (NM_001320415.2); short protein forms D12E.
Identifiers: ClinVar variation 824092 (VCV000824092.13), dbSNP rs370402660, ClinGen allele CA7233035.